The following is an entry in ClinVar:

ClinVar aggregate classification (germline): Uncertain significance. Review status: criteria provided, multiple submitters, no conflicts (2 of 4 stars). 3 submissions from 3 submitters: Uncertain significance (3). Last evaluated 2025-07-24.

Conditions:
ABCG5-related disorder. Also called: ABCG5-related condition.
Cardiovascular phenotype. Identifiers: MedGen CN230736.
Sitosterolemia (STSL). Also called: PHYTOSTEROLEMIA. Identifiers: Orphanet 2882, MedGen C0342907, MONDO:0008863.

gnomAD v4.1: 1 of 1,614,112 alleles (0.000062%); highest among the groups gnomAD compares: Non-Finnish European, 0.000085%; no homozygotes.

Submissions (3):

PreventionGenetics, part of Exact Sciences
Classification: Uncertain significance for ABCG5-related condition. Last evaluated: 2025-07-24. Review status: criteria provided, single submitter. Criteria: ACMG Guidelines, 2015. Collection method: clinical testing. Allele origin: germline.
Comment: The ABCG5 c.1537G>C variant is predicted to result in the amino acid substitution p.Gly513Arg. To our knowledge, this variant has not been reported in the literature or in a large population database (gnomAD), indicating this variant is rare. At this time, the clinical significance of this variant is uncertain due to the absence of conclusive functional and genetic evidence.

Ambry Genetics
Classification: Uncertain significance for Cardiovascular phenotype. Last evaluated: 2023-05-29. Review status: criteria provided, single submitter. Criteria: Ambry Variant Classification Scheme 2023. Collection method: clinical testing. Allele origin: germline.
Comment: The p.G513R variant (also known as c.1537G>C), located in coding exon 11 of the ABCG5 gene, results from a G to C substitution at nucleotide position 1537. The glycine at codon 513 is replaced by arginine, an amino acid with dissimilar properties. This amino acid position is conserved. In addition, this alteration is predicted to be deleterious by in silico analysis. Since supporting evidence is limited at this time, the clinical significance of this alteration remains unclear.

Labcorp Genetics (formerly Invitae), Labcorp
Classification: Uncertain significance for Sitosterolemia. Last evaluated: 2020-02-19. Review status: criteria provided, single submitter. Criteria: Invitae Variant Classification Sherloc (09022015). Collection method: clinical testing. Allele origin: germline.
Comment: Algorithms developed to predict the effect of missense changes on protein structure and function (SIFT, PolyPhen-2, Align-GVGD) all suggest that this variant is likely to be disruptive, but these predictions have not been confirmed by published functional studies and their clinical significance is uncertain. This sequence change replaces glycine with arginine at codon 513 of the ABCG5 protein (p.Gly513Arg). The glycine residue is highly conserved and there is a moderate physicochemical difference between glycine and arginine. This variant is not present in population databases (ExAC no frequency). This variant has not been reported in the literature in individuals with ABCG5-related conditions. In summary, the available evidence is currently insufficient to determine the role of this variant in disease. Therefore, it has been classified as a Variant of Uncertain Significance.

NM_022436.3(ABCG5):c.1537G>C (p.Gly513Arg)

Genes: ABCG5 (ATP binding cassette subfamily G member 5; minus strand), DYNC2LI1 (dynein cytoplasmic 2 light intermediate chain 1; plus strand). Cytogenetic location: 2p21.
Variant type: single nucleotide variant.
Coding change: c.1537G>C on transcript NM_022436.3 (MANE Select); coding-DNA position 1537, G replaced by C.
Protein change: p.Gly513Arg; replaces glycine 513 with arginine.
Molecular consequence: missense variant. On other transcripts: intron variant (2).
Genome position (GRCh38, 1-based): chr2:43,820,027, C>G on the plus strand (G>C on the coding strand, the complement: ABCG5 is on the minus strand). VCF-style: chr2-43820027-C-G. GRCh37 (hg19) VCF-style: chr2-44047166-C-G.
Other names: c.*16-7359C>G (NM_001348913.2, NM_001348912.2); short protein forms G513R.
Identifiers: ClinVar variation 844391 (VCV000844391.13), dbSNP rs1418170362, ClinGen allele CA346663020.
Genomic context (GRCh38, chr2:43,820,027, plus strand): 5'-CACTGTTGACTATATTTGGATTTTGGACGATACCAAGTAGCACAAGAGTTAGAAATTCAC[C>G]AATTAAGTGGGGGGCCAAGAGAGCAGCAGAAAAATATCCAAATCGGGCAACCTCAGGATG-3'
Protein context (NP_071881.1, residues 503-523): SAALLAPHLI[Gly513Arg]EFLTLVLLGI